The following is an entry in ClinVar:

NC_000011.9:g.(?_67758997)_(67761285_?)dup

Gene: UNC93B1 (unc-93B1 regulator of TLR signaling; minus strand). Cytogenetic location: 11q13.2.
Variant type: Duplication.
Identifiers: ClinVar variation 583773 (VCV000583773.1).

ClinVar aggregate classification (germline): Uncertain significance (1 of 4 stars; one submission).

Conditions:
Encephalopathy, acute, infection-induced (herpes-specific), susceptibility to, 1. Also called: Herpes simplex encephalitis, susceptibility to, 1. Identifiers: Orphanet 1930, MedGen C2750180, MONDO:0024563, OMIM 610551.

Submission:

Labcorp Genetics (formerly Invitae), Labcorp
Classification: Uncertain significance for Herpes simplex encephalitis 1. Last evaluated: 2018-03-28. Review status: criteria provided, single submitter. Criteria: Invitae Variant Classification Sherloc (09022015). Collection method: clinical testing. Allele origin: germline.
Comment: This variant results in a copy number gain of the genomic region encompassing exons 10-11 of the UNC93B1 gene. The 5' boundary is likely confined to intron 10. The 3' end of this event is unknown as it extends beyond the assayed region for this gene and therefore may encompass additional genes. As the precise location of this event is unknown, it may be in tandem or it may be located elsewhere in the genome. This variant has not been reported in the literature in individuals with UNC93B1-related disease. In summary, the available evidence is currently insufficient to determine the role of this variant in disease. Therefore, it has been classified as a Variant of Uncertain Significance.